The following is an entry in ClinVar:

NM_005359.6(SMAD4):c.852A>G (p.Gln284=)

Gene: SMAD4 (SMAD family member 4; plus strand). Cytogenetic location: 18q21.2.
Variant type: single nucleotide variant.
Coding change: c.852A>G on transcript NM_005359.6 (MANE Select); coding-DNA position 852, A replaced by G.
Protein change: p.Gln284=; no amino-acid change (glutamine 284 retained).
Molecular consequence: synonymous variant.
Genome position (GRCh38, 1-based): chr18:51,058,404, A>G. VCF-style: chr18-51058404-A-G. GRCh37 (hg19) VCF-style: chr18-48584774-A-G.
Identifiers: ClinVar variation 183751 (VCV000183751.68), dbSNP rs144378484, ClinGen allele CA186319.
Genomic context (GRCh38, chr18:51,058,404, plus strand): 5'-CACTACCACCTGGACTGGAAGTAGGACTGCACCATACACACCTAATTTGCCTCACCACCA[A>G]AACGGCCATCTTCAGCACCACCCGCCTATGCCGCCCCATCCCGGACATTACTGTAAGCTC-3'
Protein context (NP_005350.1, residues 274-294): APYTPNLPHH[Gln284=]NGHLQHHPPM

ClinVar aggregate classification (germline): Conflicting classifications of pathogenicity. Review status: criteria provided, conflicting classifications (1 of 4 stars). 17 submissions from 15 submitters: Uncertain significance (1); Benign (2); Likely benign (13). 1 of the submissions does not count toward it. Last evaluated 2026-01-25.

Conditions:
Hereditary hemorrhagic telangiectasia (HHT). Also called: Osler hemorrhagic telangiectasia syndrome; ORW DISEASE; Osler Weber Rendu syndrome; OSLER-RENDU-WEBER DISEASE. Identifiers: Orphanet 774, MedGen C0039445, MONDO:0019180. Disease mechanism: loss of function.
Generalized juvenile polyposis/juvenile polyposis coli. Also called: Juvenile polyposis coli. Identifiers: Orphanet 329971, MedGen C1868081, MONDO:0008276.
SMAD4-related disorder. Also called: SMAD4-related condition; SMAD4-Related disorders.
Familial thoracic aortic aneurysm and aortic dissection (TAAD). Also called: Thoracic aortic aneurysms and dissections. Identifiers: Orphanet 91387, MedGen C4707243, MONDO:0019625.
Hereditary cancer-predisposing syndrome. Also called: Tumor predisposition; Neoplastic Syndromes, Hereditary; Hereditary Cancer Syndrome; Hereditary neoplastic syndrome. Identifiers: Orphanet 140162, MedGen C0027672, MeSH D009386, MONDO:0015356.
Juvenile polyposis syndrome (JPS). Identifiers: Orphanet 2929, MedGen C0345893, MONDO:0017380, OMIM 174900.
Myhre syndrome (MYHRS). Also called: LARYNGOTRACHEAL STENOSIS, ARTHROPATHY, PROGNATHISM, AND SHORT STATURE; LAPS SYNDROME. Identifiers: Orphanet 2588, MedGen C0796081, MONDO:0007688, OMIM 139210.
Juvenile polyposis/hereditary hemorrhagic telangiectasia syndrome (JPHT). Also called: Juvenile Polyposis Syndrome / Hereditary Hemorrhagic Telangiectasia (JPS/HHT); JP/HHT SYNDROME; JUVENILE POLYPOSIS WITH HEREDITARY HEMORRHAGIC TELANGIECTASIA; POLYPOSIS, GENERALIZED JUVENILE, WITH PULMONARY ARTERIOVENOUS MALFORMATION; TELANGIECTASIA, HEREDITARY HEMORRHAGIC, WITH JUVENILE POLYPOSIS COLI. Identifiers: Orphanet 2929, MedGen C1832942, MONDO:0008278, OMIM 175050.

Allele frequency attached by ClinVar (database versions not stated): ExAC 0.00004; gnomAD exomes 0.00005 and 0.00006; TOPMed 0.00007; gnomAD 0.00008; ESP Exome Variant Server 0.00015.
gnomAD v4.1: 103 of 1,613,800 alleles (0.0064%); highest among the groups gnomAD compares: Non-Finnish European, 0.0082%; no homozygotes.

Submissions (17):

Labcorp Genetics (formerly Invitae), Labcorp
Classification: Likely benign for Juvenile polyposis syndrome. Last evaluated: 2026-01-25. Review status: criteria provided, single submitter. Criteria: Invitae Variant Classification Sherloc (09022015). Collection method: clinical testing. Allele origin: germline.

PreventionGenetics, part of Exact Sciences
Classification: Likely benign for SMAD4-related condition. Last evaluated: 2025-09-16. Review status: criteria provided, single submitter. Criteria: ACMG Guidelines, 2015. Collection method: clinical testing. Allele origin: germline.
Comment: This variant is classified as likely benign based on ACMG/AMP sequence variant interpretation guidelines (Richards et al. 2015 PMID: 25741868, with internal and published modifications).

Center for Genomic Medicine, Rigshospitalet, Copenhagen University Hospital
Classification: Uncertain significance. Last evaluated: 2025-03-04. Review status: criteria provided, single submitter. Criteria: ACMG Guidelines, 2015. Collection method: clinical testing. Allele origin: germline.

Institute for Biomarker Research, Medical Diagnostic Laboratories, L.L.C.
Classification: Likely benign for Hereditary cancer-predisposing syndrome. Last evaluated: 2025-01-20. Review status: criteria provided, single submitter. Criteria: ACMG Guidelines, 2015. Collection method: clinical testing. Allele origin: germline.
Comment: The synonymous variant NM_005359.6(SMAD4):c.852A>G (p.Gln284=) has not been reported previously as a pathogenic variant nor as a benign variant, to our knowledge. The p.Gln284= variant is predicted to introduce a novel acceptor splice site at this position by 3 of 4 splice site algorithms, but it's impact on the gene product is unknown. The nucleotide c.852 in SMAD4 is predicted conserved by GERP++ and PhyloP across 100 vertebrates. For these reasons, this variant has been classified as Likely Benign

Ambry Genetics
Classification: Likely benign for Hereditary cancer-predisposing syndrome; Familial thoracic aortic aneurysm and aortic dissection. Last evaluated: 2024-02-26. Review status: criteria provided, single submitter. Criteria: Ambry Variant Classification Scheme 2023. Collection method: clinical testing. Allele origin: germline.

All of Us Research Program, National Institutes of Health
Classification: Likely benign for Juvenile polyposis/hereditary hemorrhagic telangiectasia syndrome. Last evaluated: 2023-12-13. Review status: criteria provided, single submitter. Criteria: ACMG Guidelines, 2015. Collection method: clinical testing. Allele origin: germline. Inheritance: Autosomal dominant inheritance. Observed: 13 variant alleles, 13 heterozygotes.
Comment: This study involves interpretation of variants in research participants for the purpose of population health screening. Participant phenotype was not available at the time of variant classification. Additional details can be found in publication PMID: 35346344, PMCID: PMC8962531

Myriad Genetics, Inc.
Classification: Benign for Juvenile polyposis/hereditary hemorrhagic telangiectasia syndrome. Last evaluated: 2023-04-10. Review status: criteria provided, single submitter. Criteria: Myriad Autosomal Dominant, Autosomal Recessive and X-Linked Classification Criteria (2023). Collection method: clinical testing. Allele origin: unknown.
Comment: This variant is considered benign. This variant is a silent/synonymous amino acid change and it is not expected to impact splicing.

Sema4
Classification: Likely benign for Hereditary cancer-predisposing syndrome. Last evaluated: 2021-11-12. Review status: criteria provided, single submitter. Criteria: Sema4 Curation Guidelines. Collection method: curation. Allele origin: germline.

CeGaT Center for Human Genetics Tuebingen
Classification: Likely benign. Last evaluated: 2021-10-01. Review status: criteria provided, single submitter. Criteria: CeGaT Center For Human Genetics Tuebingen Variant Classification Criteria Version 2. Collection method: clinical testing. Allele origin: germline. Affected: yes. Observed: 1 variant allele.

Blueprint Genetics
Classification: Likely benign. Last evaluated: 2019-10-12. Review status: criteria provided, single submitter. Criteria: ACMG Guidelines, 2015. Collection method: clinical testing. Allele origin: germline.

Illumina Laboratory Services, Illumina
Classification: Likely benign for Juvenile polyposis/hereditary hemorrhagic telangiectasia syndrome. Last evaluated: 2017-04-28. Review status: criteria provided, single submitter. Criteria: ICSL Variant Classification Criteria 13 December 2019. Collection method: clinical testing. Allele origin: germline.
Comment: This variant was observed as part of a predisposition screen in an ostensibly healthy population. A literature search was performed for the gene, cDNA change, and amino acid change (where applicable). No publications were found based on this search. Allele frequency data from public databases allowed determination this variant is unlikely to cause disease. Therefore, this variant is classified as likely benign.

Illumina Laboratory Services, Illumina
Classification: Likely benign for Myhre syndrome. Last evaluated: 2017-04-28. Review status: criteria provided, single submitter. Criteria: ICSL Variant Classification Criteria 13 December 2019. Collection method: clinical testing. Allele origin: germline.
Comment: the same text as in the submission from Illumina Laboratory Services, Illumina above.

Illumina Laboratory Services, Illumina
Classification: Likely benign for Juvenile polyposis syndrome. Last evaluated: 2017-04-28. Review status: criteria provided, single submitter. Criteria: ICSL Variant Classification Criteria 13 December 2019. Collection method: clinical testing. Allele origin: germline.
Comment: the same text as in the submission from Illumina Laboratory Services, Illumina above.

Women's Health and Genetics/Laboratory Corporation of America, LabCorp
Classification: Likely benign. Last evaluated: 2016-10-06. Review status: criteria provided, single submitter. Criteria: LabCorp Variant Classification Summary - May 2015. Collection method: clinical testing. Allele origin: germline.
Comment: Variant summary: The SMAD4 c.852A>G (p.Gln284Gln) variant causes a synonymous change involving a conserved nucleotide with 4/5 splice prediction tools predicting an impact on splicing and ESE finder predicts that this variant may affect ESE binding, although these predictions have yet to be functionally assessed. The variant of interest was observed in the large, broad control population, ExAC, with an allele frequency of 5/121408 (1/24283), predominantly in the European (Non-Finnish) cohort, 5/66740 (1/13347), which does exceed the estimated maximal expected allele frequency for a pathogenic SMAD4 variant of 1/500000. Therefore, suggesting the variant could be a common polymorphism found in population(s) of European (Non-Finnish) origin, however, this observation needs to be cautiously considered due to presence of a pseudogene possibly being captured. The variant of interest has not, to our knowledge, been reported in affected individuals via publications. However, clinical diagnostic laboratories have cited the variant with conflicting classifications "likely benign" or "uncertain significance." Therefore, the variant of interest has been classified as "Likely Benign," until additional information becomes available (ie, clinical and/or functional studies).

Color Diagnostics, LLC DBA Color Health
Classification: Likely benign for Hereditary cancer-predisposing syndrome. Last evaluated: 2016-06-06. Review status: criteria provided, single submitter. Criteria: ACMG Guidelines, 2015. Collection method: clinical testing. Allele origin: germline.

GeneDx
Classification: Benign. Last evaluated: 2015-05-05. Review status: criteria provided, single submitter. Criteria: GeneDx Variant Classification (06012015). Collection method: clinical testing. Allele origin: germline. Affected: yes.
Comment: This variant is considered likely benign or benign based on one or more of the following criteria: it is a conservative change, it occurs at a poorly conserved position in the protein, it is predicted to be benign by multiple in silico algorithms, and/or has population frequency not consistent with disease.

Counsyl
Classification: Likely benign for Juvenile polyposis syndrome. Last evaluated: 2015-12-23. Review status: no assertion criteria provided. Collection method: clinical testing. Allele origin: unknown. Not counted in ClinVar's aggregate classification.